The following is an entry in ClinVar:

NM_000210.4(ITGA6):c.182+15C>T

Gene: ITGA6 (integrin subunit alpha 6; plus strand). Cytogenetic location: 2q31.1.
Variant type: single nucleotide variant.
Coding change: c.182+15C>T on transcript NM_000210.4 (MANE Select); 15 bases into the intron after coding-DNA position 182, C replaced by T.
Molecular consequence: intron variant.
Genome position (GRCh38, 1-based): chr2:172,427,985, C>T. VCF-style: chr2-172427985-C-T. GRCh37 (hg19) VCF-style: chr2-173292713-C-T.
Other names: c.-161+515C>T (NM_001316306.2); c.182+15C>T (NM_001079818.3, NM_001365530.2, NM_001365529.2).
Identifiers: ClinVar variation 332357 (VCV000332357.19), dbSNP rs6716540, ClinGen allele CA1967730.
Genomic context (GRCh38, chr2:172,427,985, plus strand): 5'-TCTCGCTGGCCATGCACTGGCAACTGCAGCCCGAGGACAAGCGGCTGTGAGTTCCCAGAC[C>T]CTTCCCACCCCCACTGGGGCGCCGGCCTGCGCGCGAGTTGAGGCGAGGGCGCGCCCTGTT-3'

ClinVar aggregate classification (germline): Benign. Review status: criteria provided, multiple submitters, no conflicts (2 of 4 stars). 4 submissions from 4 submitters: Benign (4). Last evaluated 2026-02-04.

Conditions:
Junctional epidermolysis bullosa with pyloric atresia. Also called: ITGB4-Related Epidermolysis Bullosa with Pyloric Atresia; ITGA6-Related Epidermolysis Bullosa with Pyloric Atresia; EPIDERMOLYSIS BULLOSA, JUNCTIONAL 5B, WITH PYLORIC ATRESIA; APLASIA CUTIS CONGENITA WITH GASTROINTESTINAL ATRESIA; CARMI SYNDROME; EB-PA-ACC. Identifiers: Orphanet 79403, MedGen C5676875, MONDO:0009183, OMIM 226730.

Allele frequency attached by ClinVar (database versions not stated): gnomAD exomes 0.27444 and 0.34859; ESP Exome Variant Server 0.31746; gnomAD 0.34218 and 0.34815; ExAC 0.34629; TOPMed 0.36680; 1000 Genomes Project 30x 0.48017; 1000 Genomes Project 0.48902.
gnomAD v4.1: 449,222 of 1,592,280 alleles (28%); highest among the groups gnomAD compares: East Asian, 84%; 75,014 homozygotes.

Submissions (4):

Labcorp Genetics (formerly Invitae), Labcorp
Classification: Benign. Last evaluated: 2026-02-04. Review status: criteria provided, single submitter. Criteria: Invitae Variant Classification Sherloc (09022015). Collection method: clinical testing. Allele origin: germline.

Illumina Laboratory Services, Illumina
Classification: Benign for Junctional epidermolysis bullosa with pyloric atresia. Last evaluated: 2018-01-12. Review status: criteria provided, single submitter. Criteria: ICSL Variant Classification Criteria 13 December 2019. Collection method: clinical testing. Allele origin: germline.
Comment: This variant was observed in the ICSL laboratory as part of a predisposition screen in an ostensibly healthy population. It had not been previously curated by ICSL or reported in the Human Gene Mutation Database (HGMD: prior to June 1st, 2018), and was therefore a candidate for classification through an automated scoring system. Utilizing variant allele frequency, disease prevalence and penetrance estimates, and inheritance mode, an automated score was calculated to assess if this variant is too frequent to cause the disease. Based on the score and internal cut-off values, a variant classified as benign is not then subjected to further curation. The score for this variant resulted in a classification of benign for this disease.

GeneDx
Classification: Benign. Last evaluated: 2015-03-03. Review status: criteria provided, single submitter. Criteria: GeneDx Variant Classification Process June 2021. Collection method: clinical testing. Allele origin: germline. Affected: yes.

Breakthrough Genomics
Classification: Benign. Review status: criteria provided, single submitter. Criteria: ACMG Guidelines, 2015. Collection method: not provided. Allele origin: germline. Inheritance: Autosomal recessive inheritance. Affected: yes.